The following is an entry in ClinVar:

ClinVar aggregate classification (germline): Pathogenic (1 of 4 stars; one submission).

Conditions:
Mucopolysaccharidosis, MPS-IV-A (MPS4A). Also called: Mucopolysaccharidosis type IV A; Mucopolysaccharidosis Type IVA; Morquio syndrome A, mild; MORQUIO SYNDROME A; GALACTOSAMINE-6-SULFATASE DEFICIENCY; GALNS DEFICIENCY. Identifiers: Orphanet 309297, Orphanet 582, MedGen C0086651, MONDO:0009659, OMIM 253000.

gnomAD v4.1: 1 of 1,612,824 alleles (0.000062%); highest among the groups gnomAD compares: African/African-American, 0.0013%; no homozygotes.

Submission:

Labcorp Genetics (formerly Invitae), Labcorp
Classification: Pathogenic for Mucopolysaccharidosis, MPS-IV-A. Last evaluated: 2023-05-25. Review status: criteria provided, single submitter. Criteria: Invitae Variant Classification Sherloc (09022015). Collection method: clinical testing. Allele origin: germline.
Comment: For these reasons, this variant has been classified as Pathogenic. This variant has not been reported in the literature in individuals affected with GALNS-related conditions. This variant is not present in population databases (gnomAD no frequency). This sequence change creates a premature translational stop signal (p.Gly445*) in the GALNS gene. It is expected to result in an absent or disrupted protein product. Loss-of-function variants in GALNS are known to be pathogenic (PMID: 12442278).

Literature cited by the submitters: PubMed 12442278.

NM_000512.5(GALNS):c.1333G>T (p.Gly445Ter)

Gene: GALNS (galactosamine (N-acetyl)-6-sulfatase; minus strand). Cytogenetic location: 16q24.3.
Variant type: single nucleotide variant.
Coding change: c.1333G>T on transcript NM_000512.5 (MANE Select); coding-DNA position 1333, G replaced by T.
Protein change: p.Gly445Ter; replaces glycine 445 with a stop codon.
Molecular consequence: nonsense.
Genome position (GRCh38, 1-based): chr16:88,822,620, C>A on the plus strand (G>T on the coding strand, the complement: GALNS is on the minus strand). VCF-style: chr16-88822620-C-A. GRCh37 (hg19) VCF-style: chr16-88889028-C-A.
Other names: c.778G>T, p.Gly260Ter (NM_001323543.2); c.1351G>T, p.Gly451Ter (NM_001323544.2); short protein forms G451*, G260*, G445*.
Identifiers: ClinVar variation 2863955 (VCV002863955.3), dbSNP rs1910353907, ClinGen allele CA397096045.